The following is an entry in ClinVar:

NM_001013836.2(MAD1L1):c.1585C>T (p.Arg529Ter)

Gene: MAD1L1 (mitotic arrest deficient 1 like 1; minus strand). Cytogenetic location: 7p22.3.
Variant type: single nucleotide variant.
Coding change: c.1585C>T on transcript NM_001013836.2 (MANE Select); coding-DNA position 1585, C replaced by T.
Protein change: p.Arg529Ter; replaces arginine 529 with a stop codon.
Molecular consequence: nonsense.
Genome position (GRCh38, 1-based): chr7:1,957,640, G>A on the plus strand (C>T on the coding strand, the complement: MAD1L1 is on the minus strand). VCF-style: chr7-1957640-G-A. GRCh37 (hg19) VCF-style: chr7-1997275-G-A.
Other names: c.1585C>T, p.Arg529Ter (NM_001013837.2, NM_001304523.2, NM_003550.3); c.1309C>T, p.Arg437Ter (NM_001304524.2); short protein forms R437*, R529*.
Identifiers: ClinVar variation 4850229 (VCV004850229.1).

ClinVar aggregate classification (germline): Likely pathogenic (1 of 4 stars; one submission).

Conditions:
Mosaic variegated aneuploidy syndrome 7 with inflammation and tumor predisposition (MVA7). Identifiers: MedGen C5774284, MONDO:0859346, OMIM 620189.

gnomAD v4.1: 12 of 1,613,788 alleles (0.00074%); highest among the groups gnomAD compares: African/African-American, 0.0013%; no homozygotes.

Submission:

First Genomix Gene Laboratory, Genetic Diagnostics Department
Classification: Likely pathogenic for Mosaic variegated aneuploidy syndrome 7 with inflammation and tumor predisposition. Last evaluated: 2025-08-26. Review status: criteria provided, single submitter. Criteria: ACMG Guidelines, 2015. Collection method: clinical testing. Allele origin: germline. Inheritance: Autosomal recessive inheritance. Affected: no. Observed: 1 variant allele.